The following is an entry in ClinVar:

NM_001277115.2(DNAH11):c.5452T>A (p.Ser1818Thr)

Gene: DNAH11 (dynein axonemal heavy chain 11; plus strand). Cytogenetic location: 7p15.3.
Variant type: single nucleotide variant.
Coding change: c.5452T>A on transcript NM_001277115.2 (MANE Select); coding-DNA position 5452, T replaced by A.
Protein change: p.Ser1818Thr; replaces serine 1818 with threonine.
Molecular consequence: missense variant.
Genome position (GRCh38, 1-based): chr7:21,681,669, T>A. VCF-style: chr7-21681669-T-A. GRCh37 (hg19) VCF-style: chr7-21721287-T-A.
Other names: short protein forms S1818T.
Identifiers: ClinVar variation 661852 (VCV000661852.9), dbSNP rs1583589486, ClinGen allele CA366947136.
Genomic context (GRCh38, chr7:21,681,669, plus strand): 5'-AAGATCATGACAATTTGTACCATAGATGTCCATGCCAGAGACGTGGTGGCAAAACTTATT[T>A]CTCAGAAGGCAAGTTGTTTGTAGAAATTTTATGTATTCATTATTGTTTCCTGAAAGTGGT-3'
Protein context (NP_001264044.1, residues 1808-1828): HARDVVAKLI[Ser1818Thr]QKVVSPQAFT

ClinVar aggregate classification (germline): Uncertain significance (1 of 4 stars; one submission).

Conditions:
Primary ciliary dyskinesia. Also called: Ciliary dyskinesia. Identifiers: Orphanet 244, MedGen C0008780, MONDO:0016575, HP:0012265.

Allele frequency attached by ClinVar (database versions not stated): gnomAD exomes below 0.00001.
gnomAD v4.1: 4 of 1,613,962 alleles (0.00025%); highest among the groups gnomAD compares: Non-Finnish European, 0.00034%; no homozygotes.

Submission:

Labcorp Genetics (formerly Invitae), Labcorp
Classification: Uncertain significance for Primary ciliary dyskinesia. Last evaluated: 2020-10-01. Review status: criteria provided, single submitter. Criteria: Invitae Variant Classification Sherloc (09022015). Collection method: clinical testing. Allele origin: germline.
Comment: This sequence change replaces serine with threonine at codon 1818 of the DNAH11 protein (p.Ser1818Thr). The serine residue is moderately conserved and there is a small physicochemical difference between serine and threonine. This variant is not present in population databases (ExAC no frequency). This variant has not been reported in the literature in individuals with DNAH11-related disease. Algorithms developed to predict the effect of missense changes on protein structure and function (SIFT, PolyPhen-2, Align-GVGD) all suggest that this variant is likely to be tolerated, but these predictions have not been confirmed by published functional studies and their clinical significance is uncertain. In summary, the available evidence is currently insufficient to determine the role of this variant in disease. Therefore, it has been classified as a Variant of Uncertain Significance.